The following is an entry in ClinVar:

NM_000368.5(TSC1):c.2045C>T (p.Ser682Phe)

Gene: TSC1 (TSC complex subunit 1; minus strand). Cytogenetic location: 9q34.13.
Variant type: single nucleotide variant.
Coding change: c.2045C>T on transcript NM_000368.5 (MANE Select); coding-DNA position 2045, C replaced by T.
Protein change: p.Ser682Phe; replaces serine 682 with phenylalanine.
Molecular consequence: missense variant. On other transcripts: non-coding transcript variant (4), intron variant (4).
Genome position (GRCh38, 1-based): chr9:132,903,814, G>A on the plus strand (C>T on the coding strand, the complement: TSC1 is on the minus strand). VCF-style: chr9-132903814-G-A. GRCh37 (hg19) VCF-style: chr9-135779201-G-A.
Other names: c.2042C>T, p.Ser681Phe (NM_001162426.2, NM_001406597.1, NM_001406598.1 and 4 more transcripts); c.1892C>T, p.Ser631Phe (NM_001162427.2, NM_001406610.1); c.1682C>T, p.Ser561Phe (NM_001362177.2, NM_001406614.1, NM_001406615.1 and 5 more transcripts); c.2045C>T, p.Ser682Phe (NM_001406592.1, NM_001406593.1, NM_001406594.1 and 5 more transcripts); c.1889C>T, p.Ser630Phe (NM_001406611.1, NM_001406612.1, NM_001406613.1); c.1679C>T, p.Ser560Phe (NM_001406620.1, NM_001406621.1, NM_001406622.1 and 2 more transcripts); c.1094C>T, p.Ser365Phe (NM_001406626.1); c.1091C>T, p.Ser364Phe (NM_001406627.1, NM_001406628.1); and 3 more; short protein forms S364F, S560F, S365F, S561F, S630F, S681F, S682F, S331F.
Identifiers: ClinVar variation 2815926 (VCV002815926.4), dbSNP rs919177189, ClinGen allele CA375361164.

ClinVar aggregate classification (germline): Uncertain significance. Review status: criteria provided, multiple submitters, no conflicts (2 of 4 stars). 2 submissions from 2 submitters: Uncertain significance (2). Last evaluated 2023-12-15.

Conditions:
Tuberous sclerosis 1 (TSC1). Identifiers: Orphanet 805, MedGen C1854465, MONDO:0008612, OMIM 191100.

Submissions (2):

Labcorp Genetics (formerly Invitae), Labcorp
Classification: Uncertain significance for Tuberous sclerosis 1. Last evaluated: 2023-12-15. Review status: criteria provided, single submitter. Criteria: Invitae Variant Classification Sherloc (09022015). Collection method: clinical testing. Allele origin: germline.
Comment: This sequence change replaces serine, which is neutral and polar, with phenylalanine, which is neutral and non-polar, at codon 682 of the TSC1 protein (p.Ser682Phe). This variant is not present in population databases (gnomAD no frequency). This variant has not been reported in the literature in individuals affected with TSC1-related conditions. Advanced modeling of protein sequence and biophysical properties (such as structural, functional, and spatial information, amino acid conservation, physicochemical variation, residue mobility, and thermodynamic stability) performed at Invitae indicates that this missense variant is not expected to disrupt TSC1 protein function with a negative predictive value of 95%. Algorithms developed to predict the effect of sequence changes on RNA splicing suggest that this variant may disrupt the consensus splice site. In summary, the available evidence is currently insufficient to determine the role of this variant in disease. Therefore, it has been classified as a Variant of Uncertain Significance.

Blueprint Genetics
Classification: Uncertain significance. Last evaluated: 2021-12-01. Review status: criteria provided, single submitter. Criteria: ACMG Guidelines, 2015. Collection method: clinical testing. Allele origin: germline.